The following is an entry in ClinVar:

ClinVar aggregate classification (germline): Uncertain significance (1 of 4 stars; one submission).

Conditions:
Biotin-responsive basal ganglia disease (BTBGD). Also called: THIAMINE METABOLISM DYSFUNCTION SYNDROME 2 (BIOTIN- AND THIAMINE-RESPONSIVE TYPE); Thiamine metabolism dysfunction syndrome 2 (biotin- or thiamine-responsive encephalopathy type 2); Thiamine Transporter-2 Deficiency; thiamine-responsive encephalopathy; Thiamine metabolism dysfunction syndrome type 2. Identifiers: Orphanet 199348, Orphanet 65284, MedGen C1843807, MONDO:0011841, OMIM 607483.

Allele frequency attached by ClinVar (database versions not stated): TOPMed 0.00001; ExAC 0.00003.
gnomAD v4.1: 4 of 1,614,110 alleles (0.00025%); highest among the groups gnomAD compares: Admixed American, 0.0067%; no homozygotes.

Submission:

Labcorp Genetics (formerly Invitae), Labcorp
Classification: Uncertain significance for Biotin-responsive basal ganglia disease. Last evaluated: 2022-10-24. Review status: criteria provided, single submitter. Criteria: Invitae Variant Classification Sherloc (09022015). Collection method: clinical testing. Allele origin: germline.
Comment: This sequence change replaces phenylalanine, which is neutral and non-polar, with serine, which is neutral and polar, at codon 262 of the SLC19A3 protein (p.Phe262Ser). This variant is present in population databases (rs769689872, gnomAD 0.01%). This variant has not been reported in the literature in individuals affected with SLC19A3-related conditions. ClinVar contains an entry for this variant (Variation ID: 942611). Advanced modeling of protein sequence and biophysical properties (such as structural, functional, and spatial information, amino acid conservation, physicochemical variation, residue mobility, and thermodynamic stability) performed at Invitae indicates that this missense variant is not expected to disrupt SLC19A3 protein function. In summary, the available evidence is currently insufficient to determine the role of this variant in disease. Therefore, it has been classified as a Variant of Uncertain Significance.

NM_025243.4(SLC19A3):c.785T>C (p.Phe262Ser)

Gene: SLC19A3 (solute carrier family 19 member 3; minus strand). Cytogenetic location: 2q36.3.
Variant type: single nucleotide variant.
Coding change: c.785T>C on transcript NM_025243.4 (MANE Select); coding-DNA position 785, T replaced by C.
Protein change: p.Phe262Ser; replaces phenylalanine 262 with serine.
Molecular consequence: missense variant.
Genome position (GRCh38, 1-based): chr2:227,698,930, A>G on the plus strand (T>C on the coding strand, the complement: SLC19A3 is on the minus strand). VCF-style: chr2-227698930-A-G. GRCh37 (hg19) VCF-style: chr2-228563646-A-G.
Other names: c.785T>C, p.Phe262Ser (NM_001371411.1, NM_001371412.1); c.773T>C, p.Phe258Ser (NM_001371413.1, NM_001371414.1); short protein forms F258S, F262S.
Identifiers: ClinVar variation 942611 (VCV000942611.5), dbSNP rs769689872, ClinGen allele CA2149231.